The following is an entry in ClinVar:

ClinVar aggregate classification (germline): Uncertain significance (1 of 4 stars; one submission).

Conditions:
Hereditary sensory and autonomic neuropathy type 7. Also called: HSAN VII; Neuropathy, hereditary sensory and autonomic, type VII. Identifiers: Orphanet 391397, MedGen C3809882, MONDO:0014244, OMIM 615548.
Familial episodic pain syndrome with predominantly lower limb involvement. Also called: Episodic pain syndrome, familial, 3. Identifiers: Orphanet 391384, Orphanet 391392, MedGen C3809899, MONDO:0014247, OMIM 615552.

Allele frequency attached by ClinVar (database versions not stated): gnomAD exomes 0.00001 and 0.00003; ExAC 0.00004.
gnomAD v4.1: 15 of 1,437,192 alleles (0.001%); highest among the groups gnomAD compares: Non-Finnish European, 0.0013%; no homozygotes.

Submission:

Labcorp Genetics (formerly Invitae), Labcorp
Classification: Uncertain significance for Familial episodic pain syndrome with predominantly lower limb involvement; Hereditary sensory and autonomic neuropathy type 7. Last evaluated: 2024-02-05. Review status: criteria provided, single submitter. Criteria: Invitae Variant Classification Sherloc (09022015). Collection method: clinical testing. Allele origin: germline.
Comment: This sequence change replaces aspartic acid, which is acidic and polar, with valine, which is neutral and non-polar, at codon 80 of the SCN11A protein (p.Asp80Val). This variant is present in population databases (rs770603605, gnomAD 0.005%). This variant has not been reported in the literature in individuals affected with SCN11A-related conditions. ClinVar contains an entry for this variant (Variation ID: 1445377). Advanced modeling of protein sequence and biophysical properties (such as structural, functional, and spatial information, amino acid conservation, physicochemical variation, residue mobility, and thermodynamic stability) performed at Invitae indicates that this missense variant is expected to disrupt SCN11A protein function with a positive predictive value of 80%. In summary, the available evidence is currently insufficient to determine the role of this variant in disease. Therefore, it has been classified as a Variant of Uncertain Significance.

NM_001349253.2(SCN11A):c.239A>T (p.Asp80Val)

Gene: SCN11A (sodium voltage-gated channel alpha subunit 11; minus strand). Cytogenetic location: 3p22.2.
Variant type: single nucleotide variant.
Coding change: c.239A>T on transcript NM_001349253.2 (MANE Select); coding-DNA position 239, A replaced by T.
Protein change: p.Asp80Val; replaces aspartic acid 80 with valine.
Molecular consequence: missense variant.
Genome position (GRCh38, 1-based): chr3:38,950,124, T>A on the plus strand (A>T on the coding strand, the complement: SCN11A is on the minus strand). VCF-style: chr3-38950124-T-A. GRCh37 (hg19) VCF-style: chr3-38991615-T-A.
Other names: c.239A>T, p.Asp80Val (NM_014139.3); short protein forms D80V.
Identifiers: ClinVar variation 1445377 (VCV001445377.6), dbSNP rs770603605, ClinGen allele CA2322748.